The following is an entry in ClinVar:

ClinVar aggregate classification (germline): Likely benign. Review status: criteria provided, multiple submitters, no conflicts (2 of 4 stars). 2 submissions from 2 submitters: Likely benign (2). Last evaluated 2025-07-23.

Conditions:
Neuronal ceroid lipofuscinosis. Also called: Neuronal Ceroid Lipofuscinoses. Identifiers: Orphanet 216, Orphanet 79263, MedGen C0027877, MONDO:0016295. Disease mechanism: loss of function.

Allele frequency attached by ClinVar (database versions not stated): ExAC below 0.00001; gnomAD 0.00017 and 0.00020; TOPMed 0.00017.
gnomAD v4.1: 36 of 1,523,930 alleles (0.0024%); highest among the groups gnomAD compares: African/African-American, 0.048%; no homozygotes.

Submissions (2):

Labcorp Genetics (formerly Invitae), Labcorp
Classification: Likely benign for Neuronal ceroid lipofuscinosis. Last evaluated: 2025-07-23. Review status: criteria provided, single submitter. Criteria: Invitae Variant Classification Sherloc (09022015). Collection method: clinical testing. Allele origin: germline.

GeneDx
Classification: Likely benign. Last evaluated: 2015-11-30. Review status: criteria provided, single submitter. Criteria: GeneDx Variant Classification (06012015). Collection method: clinical testing. Allele origin: germline. Affected: yes.
Comment: This variant is considered likely benign or benign based on one or more of the following criteria: it is a conservative change, it occurs at a poorly conserved position in the protein, it is predicted to be benign by multiple in silico algorithms, and/or has population frequency not consistent with disease.

NM_001909.5(CTSD):c.68+10C>T

Gene: CTSD (cathepsin D; minus strand). Cytogenetic location: 11p15.5.
Variant type: single nucleotide variant.
Coding change: c.68+10C>T on transcript NM_001909.5 (MANE Select); 10 bases into the intron after coding-DNA position 68, C replaced by T.
Molecular consequence: intron variant.
Genome position (GRCh38, 1-based): chr11:1,763,782, G>A on the plus strand (C>T on the coding strand, the complement: CTSD is on the minus strand). VCF-style: chr11-1763782-G-A. GRCh37 (hg19) VCF-style: chr11-1785012-G-A.
Identifiers: ClinVar variation 378936 (VCV000378936.9), dbSNP rs760082760, ClinGen allele CA5814329.